The following is an entry in ClinVar:

ClinVar aggregate classification (germline): Uncertain significance (0 of 4 stars; one submission).

Allele frequency attached by ClinVar (database versions not stated): TOPMed below 0.00001; ExAC 0.00001.
gnomAD v4.1: 15 of 1,614,100 alleles (0.00093%); highest among the groups gnomAD compares: African/African-American, 0.0013%; no homozygotes.

Submission:

Genetic Services Laboratory, University of Chicago
Classification: Uncertain significance. Last evaluated: 2022-05-09. Review status: no assertion criteria provided. Collection method: clinical testing. Allele origin: germline. Affected: no.
Comment: DNA sequence analysis of the SLX4 gene demonstrated a sequence change, c.1929G>C, in exon 9 that results in an amino acid change, p.Leu643Phe. This sequence change does not appear to have been previously described in individuals with SLX4-related disorders. This sequence change has been described in the gnomAD database with a frequency of 0.00080% (dbSNP rs778062467). The p.Leu643Phe change affects a poorly conserved amino acid residue located in a domain of the SLX4 protein that is not known to be functional. The p.Leu643Phe substitution appears to be benign using several in-silico pathogenicity prediction tools (SIFT, PolyPhen2, Align GVGD, REVEL). Due to insufficient evidences and the lack of functional studies, the clinical significance of the p.Leu643Phe change remains unknown at this time.

NM_032444.4(SLX4):c.1929G>C (p.Leu643Phe)

Gene: SLX4 (SLX4 structure-specific endonuclease subunit; minus strand). Cytogenetic location: 16p13.3.
Variant type: single nucleotide variant.
Coding change: c.1929G>C on transcript NM_032444.4 (MANE Select); coding-DNA position 1929, G replaced by C.
Protein change: p.Leu643Phe; replaces leucine 643 with phenylalanine.
Molecular consequence: missense variant.
Genome position (GRCh38, 1-based): chr16:3,595,689, C>G on the plus strand (G>C on the coding strand, the complement: SLX4 is on the minus strand). VCF-style: chr16-3595689-C-G. GRCh37 (hg19) VCF-style: chr16-3645690-C-G.
Other names: short protein forms L643F.
Identifiers: ClinVar variation 2443264 (VCV002443264.2), dbSNP rs778062467, ClinGen allele CA7866360.